The following is an entry in ClinVar:

ClinVar aggregate classification (germline): Uncertain significance (1 of 4 stars; one submission).

Submission:

GeneDx
Classification: Uncertain significance. Last evaluated: 2022-10-25. Review status: criteria provided, single submitter. Criteria: GeneDx Variant Classification Process June 2021. Collection method: clinical testing. Allele origin: germline. Affected: yes.
Comment: Not observed at significant frequency in large population cohorts (gnomAD); In silico analysis supports that this missense variant has a deleterious effect on protein structure/function; Has not been previously published as pathogenic or benign to our knowledge

NM_017617.5(NOTCH1):c.137G>A (p.Cys46Tyr)

Gene: NOTCH1 (notch receptor 1; minus strand). Cytogenetic location: 9q34.3.
Variant type: single nucleotide variant.
Coding change: c.137G>A on transcript NM_017617.5 (MANE Select); coding-DNA position 137, G replaced by A.
Protein change: p.Cys46Tyr; replaces cysteine 46 with tyrosine.
Molecular consequence: missense variant.
Genome position (GRCh38, 1-based): chr9:136,544,027, C>T on the plus strand (G>A on the coding strand, the complement: NOTCH1 is on the minus strand). VCF-style: chr9-136544027-C-T. GRCh37 (hg19) VCF-style: chr9-139438479-C-T.
Other names: short protein forms C46Y.
Identifiers: ClinVar variation 2500390 (VCV002500390.1), dbSNP rs2540492460, ClinGen allele CA375578709.